The following is an entry in ClinVar:

NM_001379500.1(COL18A1):c.3074G>A (p.Gly1025Asp)

Genes: COL18A1 (collagen type XVIII alpha 1 chain; plus strand), SLC19A1 (solute carrier family 19 member 1; minus strand). Cytogenetic location: 21q22.3.
Variant type: single nucleotide variant.
Coding change: c.3074G>A on transcript NM_001379500.1 (MANE Select); coding-DNA position 3074, G replaced by A.
Protein change: p.Gly1025Asp; replaces glycine 1025 with aspartic acid.
Molecular consequence: missense variant.
Genome position (GRCh38, 1-based): chr21:45,505,418, G>A. VCF-style: chr21-45505418-G-A. GRCh37 (hg19) VCF-style: chr21-46925332-G-A.
Other names: c.3605G>A (NM_030582.3); c.3605G>A, p.Gly1202Asp (NM_030582.4); c.4310G>A, p.Gly1437Asp (NM_130444.3); short protein forms G1202D, G1025D, G1437D.
Identifiers: ClinVar variation 1902409 (VCV001902409.6), dbSNP rs752398515, ClinGen allele CA10067663.
Genomic context (GRCh38, chr21:45,505,418, plus strand): 5'-CTATCAGCGTTCCCGGCCCTCCGGGCCCCCCTGGGCCCCCTGGGCCCCCTGGAACCATGG[G>A]CGCCTCCTCAGGGGTAAGTGTCTGGGCAGCCGGCTGGGCACCTGCGTCCCGTGCCCTGGC-3'
Protein context (NP_001366429.1, residues 1015-1035): PGPPGPPGTM[Gly1025Asp]ASSGVRLWAT

ClinVar aggregate classification (germline): Uncertain significance. Review status: criteria provided, multiple submitters, no conflicts (2 of 4 stars). 2 submissions from 2 submitters: Uncertain significance (2). Last evaluated 2025-08-29.

Conditions:
COL18A1-related disorder. Also called: COL18A1-related disorders; COL18A1-related condition.

Allele frequency attached by ClinVar (database versions not stated): TOPMed below 0.00001; gnomAD 0.00001; gnomAD exomes 0.00001; ExAC 0.00002.
gnomAD v4.1: 11 of 1,562,448 alleles (0.0007%); highest among the groups gnomAD compares: Admixed American, 0.012%; no homozygotes.

Submissions (2):

PreventionGenetics, part of Exact Sciences
Classification: Uncertain significance for COL18A1-related condition. Last evaluated: 2025-08-29. Review status: criteria provided, single submitter. Criteria: ACMG Guidelines, 2015. Collection method: clinical testing. Allele origin: germline.
Comment: The COL18A1 c.3605G>A variant is predicted to result in the amino acid substitution p.Gly1202Asp. To our knowledge, this variant has not been reported in the literature. This variant is reported in 0.016% of alleles in individuals of Latino descent in gnomAD. At this time, the clinical significance of this variant is uncertain due to the absence of conclusive functional and genetic evidence.

Labcorp Genetics (formerly Invitae), Labcorp
Classification: Uncertain significance. Last evaluated: 2023-12-18. Review status: criteria provided, single submitter. Criteria: Invitae Variant Classification Sherloc (09022015). Collection method: clinical testing. Allele origin: germline.
Comment: This sequence change replaces glycine, which is neutral and non-polar, with aspartic acid, which is acidic and polar, at codon 1022 of the COL18A1 protein (p.Gly1022Asp). This variant is present in population databases (rs752398515, gnomAD 0.02%). This variant has not been reported in the literature in individuals affected with COL18A1-related conditions. ClinVar contains an entry for this variant (Variation ID: 1902409). Experimental studies and prediction algorithms are not available or were not evaluated, and the functional significance of this variant is currently unknown. In summary, the available evidence is currently insufficient to determine the role of this variant in disease. Therefore, it has been classified as a Variant of Uncertain Significance.